The following is an entry in ClinVar:

NM_014003.4(DHX38):c.743T>G (p.Leu248Arg)

Gene: DHX38 (DEAH-box helicase 38; plus strand). Cytogenetic location: 16q22.2.
Variant type: single nucleotide variant.
Coding change: c.743T>G on transcript NM_014003.4 (MANE Select); coding-DNA position 743, T replaced by G.
Protein change: p.Leu248Arg; replaces leucine 248 with arginine.
Molecular consequence: missense variant.
Genome position (GRCh38, 1-based): chr16:72,098,771, T>G. VCF-style: chr16-72098771-T-G. GRCh37 (hg19) VCF-style: chr16-72132670-T-G.
Other names: short protein forms L248R.
Identifiers: ClinVar variation 1521296 (VCV001521296.8), dbSNP rs772832163, ClinGen allele CA396703048.

ClinVar aggregate classification (germline): Uncertain significance (1 of 4 stars; one submission).

Allele frequency attached by ClinVar (database versions not stated): TOPMed 0.00001.
gnomAD v4.1: 6 of 1,614,184 alleles (0.00037%); highest among the groups gnomAD compares: Non-Finnish European, 0.00051%; no homozygotes.

Submission:

Labcorp Genetics (formerly Invitae), Labcorp
Classification: Uncertain significance. Last evaluated: 2022-02-22. Review status: criteria provided, single submitter. Criteria: Invitae Variant Classification Sherloc (09022015). Collection method: clinical testing. Allele origin: germline.
Comment: In summary, the available evidence is currently insufficient to determine the role of this variant in disease. Therefore, it has been classified as a Variant of Uncertain Significance. Algorithms developed to predict the effect of missense changes on protein structure and function (SIFT, PolyPhen-2, Align-GVGD) all suggest that this variant is likely to be tolerated. This variant has not been reported in the literature in individuals affected with DHX38-related conditions. This variant is present in population databases (no rsID available, gnomAD 0.002%). This sequence change replaces leucine, which is neutral and non-polar, with arginine, which is basic and polar, at codon 248 of the DHX38 protein (p.Leu248Arg).